The following is an entry in ClinVar:

ClinVar aggregate classification (germline): Uncertain significance (1 of 4 stars; one submission).

Conditions:
Bardet-Biedl syndrome (BBS). Identifiers: Orphanet 110, MedGen C0752166, MONDO:0015229.

Submission:

Labcorp Genetics (formerly Invitae), Labcorp
Classification: Uncertain significance for Bardet-Biedl syndrome. Last evaluated: 2022-07-05. Review status: criteria provided, single submitter. Criteria: Invitae Variant Classification Sherloc (09022015). Collection method: clinical testing. Allele origin: germline.
Comment: In summary, the available evidence is currently insufficient to determine the role of this variant in disease. Therefore, it has been classified as a Variant of Uncertain Significance. Algorithms developed to predict the effect of missense changes on protein structure and function (SIFT, PolyPhen-2, Align-GVGD) all suggest that this variant is likely to be tolerated. ClinVar contains an entry for this variant (Variation ID: 1417046). This variant has not been reported in the literature in individuals affected with TTC8-related conditions. This variant is not present in population databases (gnomAD no frequency). This sequence change replaces isoleucine, which is neutral and non-polar, with threonine, which is neutral and polar, at codon 64 of the TTC8 protein (p.Ile64Thr).

NM_144596.4(TTC8):c.221T>C (p.Ile74Thr)

Gene: TTC8 (tetratricopeptide repeat domain 8; plus strand). Cytogenetic location: 14q31.3.
Variant type: single nucleotide variant.
Coding change: c.221T>C on transcript NM_144596.4 (MANE Select); coding-DNA position 221, T replaced by C.
Protein change: p.Ile74Thr; replaces isoleucine 74 with threonine.
Molecular consequence: missense variant. On other transcripts: 5 prime UTR variant (2), non-coding transcript variant (1).
Genome position (GRCh38, 1-based): chr14:88,839,528, T>C. VCF-style: chr14-88839528-T-C. GRCh37 (hg19) VCF-style: chr14-89305872-T-C.
Other names: c.191T>C, p.Ile64Thr (NM_001288781.1, NM_001366535.2, NM_001366536.2 and 2 more transcripts); c.-372T>C (NM_001288782.1); c.-467T>C (NM_001288783.1); short protein forms I64T, I74T.
Identifiers: ClinVar variation 1417046 (VCV001417046.9), dbSNP rs2094769961, ClinGen allele CA390572835.